The following is an entry in ClinVar:

ClinVar aggregate classification (germline): Likely pathogenic (1 of 4 stars; one submission).

Conditions:
Rare genetic deafness. Identifiers: Orphanet 96210, MedGen C5680250.

Submission:

Laboratory for Molecular Medicine, Mass General Brigham Personalized Medicine
Classification: Likely pathogenic for Rare genetic deafness. Last evaluated: 2022-08-26. Review status: criteria provided, single submitter. Criteria: ACMG Guidelines, 2015. Collection method: clinical testing. Allele origin: germline.
Comment: The p.Ser1907ProfsX6 variant in TECTA has not been previously reported in individuals with hearing loss or in large population studies. This variant is predicted to cause a frameshift, which alters the protein’s amino acid sequence beginning at position 1907 and leads to a premature termination codon 6 amino acids downstream. Loss of function of the TECTA gene is an established disease mechanism in autosomal recessive hearing loss. In addition, some variants that result in a truncated protein may have the potential to cause hearing loss inherited in an autosomal dominant pattern (Collin 2008, Hildebrand 2011). However, there is insufficient evidence to predict whether the p.Ser1907ProfsX6 variant can lead to dominantly inherited hearing loss. In summary, although additional studies are required to fully establish its clinical significance, this variant meets criteria to be classified as likely pathogenic for autosomal recessive non syndromic hearing loss. ACMG/AMP criteria applied: PM2_supporting, PVS1.

NM_005422.4(TECTA):c.5719del (p.Ser1907fs)

Genes: TBCEL-TECTA (TBCEL-TECTA readthrough; plus strand), TECTA (tectorin alpha; plus strand). Cytogenetic location: 11q23.3.
Variant type: Deletion.
Coding change: c.5719del on transcript NM_005422.4 (MANE Select); coding-DNA position 5719, one base deleted (T; older notation c.5719delT).
Protein change: p.Ser1907fs; shifts the reading frame from serine 1907.
Molecular consequence: frameshift variant.
Genome position (GRCh38, 1-based): chr11:121,168,186, T deleted. VCF-style (leftmost placement, unchanged base first): chr11-121168185-CT-C. GRCh37 (hg19) VCF-style: chr11-121038894-CT-C.
Other names: c.6661del, p.Ser2221fs (NM_001378761.1); short protein forms S1907fs, S2221fs.
Identifiers: ClinVar variation 3075888 (VCV003075888.1), dbSNP rs2496992226, ClinGen allele CA2825001999.